The following is an entry in ClinVar:

ClinVar aggregate classification (germline): Uncertain significance. Review status: criteria provided, multiple submitters, no conflicts (2 of 4 stars). 3 submissions from 3 submitters: Uncertain significance (3). Last evaluated 2025-09-24.

Conditions:
Hereditary cancer-predisposing syndrome. Also called: Hereditary neoplastic syndrome; Neoplastic Syndromes, Hereditary; Tumor predisposition; Hereditary Cancer Syndrome. Identifiers: Orphanet 140162, MedGen C0027672, MeSH D009386, MONDO:0015356.
Familial adenomatous polyposis 1 (FAP1). Also called: POLYPOSIS, ADENOMATOUS INTESTINAL; FAMILIAL ADENOMATOUS POLYPOSIS 1, ATTENUATED. Identifiers: MedGen C2713442, MONDO:0021056, OMIM 175100. Disease mechanism: loss of function.

Submissions (3):

Labcorp Genetics (formerly Invitae), Labcorp
Classification: Uncertain significance for Familial adenomatous polyposis 1. Last evaluated: 2025-09-24. Review status: criteria provided, single submitter. Criteria: Invitae Variant Classification Sherloc (09022015). Collection method: clinical testing. Allele origin: germline.
Comment: This sequence change replaces tyrosine, which is neutral and polar, with aspartic acid, which is acidic and polar, at codon 1162 of the APC protein (p.Tyr1162Asp). This variant is not present in population databases (gnomAD no frequency). This variant has not been reported in the literature in individuals affected with APC-related conditions. ClinVar contains an entry for this variant (Variation ID: 469922). Invitae Evidence Modeling of protein sequence and biophysical properties (such as structural, functional, and spatial information, amino acid conservation, physicochemical variation, residue mobility, and thermodynamic stability) indicates that this missense variant is not expected to disrupt APC protein function with a negative predictive value of 95%. In summary, the available evidence is currently insufficient to determine the role of this variant in disease. Therefore, it has been classified as a Variant of Uncertain Significance.

Ambry Genetics
Classification: Uncertain significance for Hereditary cancer-predisposing syndrome. Last evaluated: 2025-05-30. Review status: criteria provided, single submitter. Criteria: Ambry Variant Classification Scheme 2023. Collection method: clinical testing. Allele origin: germline.
Comment: The p.Y1162D variant (also known as c.3484T>G), located in coding exon 15 of the APC gene, results from a T to G substitution at nucleotide position 3484. The tyrosine at codon 1162 is replaced by aspartic acid, an amino acid with highly dissimilar properties. This amino acid position is highly conserved in available vertebrate species. In addition, in silico predictors for this gene do not accurately predict pathogenicity. Missense alterations in APC are not a common cause of disease (Spier I et al. Genet Med. 2024 Feb;26(2):100992). Based on the available evidence, the clinical significance of this variant remains unclear.

Color Diagnostics, LLC DBA Color Health
Classification: Uncertain significance for Hereditary cancer-predisposing syndrome. Last evaluated: 2019-05-31. Review status: criteria provided, single submitter. Criteria: ACMG Guidelines, 2015. Collection method: clinical testing. Allele origin: germline.

NM_000038.6(APC):c.3484T>G (p.Tyr1162Asp)

Gene: APC (APC regulator of Wnt signaling pathway; plus strand). Cytogenetic location: 5q22.2.
Variant type: single nucleotide variant.
Coding change: c.3484T>G on transcript NM_000038.6 (MANE Select); coding-DNA position 3484, T replaced by G.
Protein change: p.Tyr1162Asp; replaces tyrosine 1162 with aspartic acid.
Molecular consequence: missense variant.
Genome position (GRCh38, 1-based): chr5:112,839,078, T>G. VCF-style: chr5-112839078-T-G. GRCh37 (hg19) VCF-style: chr5-112174775-T-G.
Other names: c.3484T>G, p.Tyr1162Asp (NM_001127510.3, NM_001354895.2); c.3430T>G, p.Tyr1144Asp (NM_001127511.3); c.3538T>G, p.Tyr1180Asp (NM_001354896.2); c.3514T>G, p.Tyr1172Asp (NM_001354897.2); c.3409T>G, p.Tyr1137Asp (NM_001354898.2); c.3400T>G, p.Tyr1134Asp (NM_001354899.2); c.3361T>G, p.Tyr1121Asp (NM_001354900.2); c.3307T>G, p.Tyr1103Asp (NM_001354901.2); and 5 more; short protein forms Y1144D, Y1162D, Y1134D, Y1137D, Y1172D, Y1002D, Y1061D, Y1071D.
Identifiers: ClinVar variation 469922 (VCV000469922.14), dbSNP rs1210397302, ClinGen allele CA16028978.
Genomic context (GRCh38, chr5:112,839,078, plus strand): 5'-AATTATAGTGAACGTTACTCTGAAGAAGAACAGCATGAAGAAGAAGAGAGACCAACAAAT[T>G]ATAGCATAAAATATAATGAAGAGAAACGTCATGTGGATCAGCCTATTGATTATAGTTTAA-3'
Protein context (NP_000029.2, residues 1152-1172): QHEEEERPTN[Tyr1162Asp]SIKYNEEKRH